The following is an entry in ClinVar:

NM_000426.4(LAMA2):c.4582G>A (p.Glu1528Lys)

Gene: LAMA2 (laminin subunit alpha 2; plus strand). Cytogenetic location: 6q22.33.
Variant type: single nucleotide variant.
Coding change: c.4582G>A on transcript NM_000426.4 (MANE Select); coding-DNA position 4582, G replaced by A.
Protein change: p.Glu1528Lys; replaces glutamic acid 1528 with lysine.
Molecular consequence: missense variant.
Genome position (GRCh38, 1-based): chr6:129,353,222, G>A. VCF-style: chr6-129353222-G-A. GRCh37 (hg19) VCF-style: chr6-129674367-G-A.
Other names: c.4582G>A, p.Glu1528Lys (NM_001079823.2); short protein forms E1528K.
Identifiers: ClinVar variation 2168597 (VCV002168597.1), dbSNP rs1383950509, ClinGen allele CA365618549.

ClinVar aggregate classification (germline): Uncertain significance (1 of 4 stars; one submission).

Conditions:
LAMA2-related muscular dystrophy (LAMA2-RD). Also called: Laminin alpha 2-related dystrophy. Identifiers: MedGen C5679788, MONDO:0100228.

Submission:

Labcorp Genetics (formerly Invitae), Labcorp
Classification: Uncertain significance for LAMA2-related muscular dystrophy. Last evaluated: 2022-04-12. Review status: criteria provided, single submitter. Criteria: Invitae Variant Classification Sherloc (09022015). Collection method: clinical testing. Allele origin: germline.
Comment: This sequence change replaces glutamic acid, which is acidic and polar, with lysine, which is basic and polar, at codon 1528 of the LAMA2 protein (p.Glu1528Lys). This variant is not present in population databases (gnomAD no frequency). This variant has not been reported in the literature in individuals affected with LAMA2-related conditions. Advanced modeling of protein sequence and biophysical properties (such as structural, functional, and spatial information, amino acid conservation, physicochemical variation, residue mobility, and thermodynamic stability) performed at Invitae indicates that this missense variant is not expected to disrupt LAMA2 protein function. Algorithms developed to predict the effect of sequence changes on RNA splicing suggest that this variant may create or strengthen a splice site. In summary, the available evidence is currently insufficient to determine the role of this variant in disease. Therefore, it has been classified as a Variant of Uncertain Significance.